The following is an entry in ClinVar:

NM_000091.5(COL4A3):c.3134G>T (p.Gly1045Val)

Genes: COL4A3 (collagen type IV alpha 3 chain; plus strand), MFF-DT (MFF divergent transcript; minus strand). Cytogenetic location: 2q36.3.
Variant type: single nucleotide variant.
Coding change: c.3134G>T on transcript NM_000091.5 (MANE Select); coding-DNA position 3134, G replaced by T.
Protein change: p.Gly1045Val; replaces glycine 1045 with valine.
Molecular consequence: missense variant.
Genome position (GRCh38, 1-based): chr2:227,290,810, G>T. VCF-style: chr2-227290810-G-T. GRCh37 (hg19) VCF-style: chr2-228155526-G-T.
Other names: short protein forms G1045V.
Identifiers: ClinVar variation 939366 (VCV000939366.11), dbSNP rs2072649241, ClinGen allele CA350855670.

ClinVar aggregate classification (germline): Pathogenic/Likely pathogenic. Review status: criteria provided, multiple submitters, no conflicts (2 of 4 stars). 2 submissions from 2 submitters: Pathogenic (1); Likely pathogenic (1). Last evaluated 2022-04-08.

Conditions:
Autosomal dominant Alport syndrome (ATS3A). Also called: ALPORT SYNDROME 3A, AUTOSOMAL DOMINANT; Alport syndrome dominant type; Renal failure and sensorineural hearing loss. Identifiers: Orphanet 63, Orphanet 88918, MedGen C5882663, MONDO:0007086, OMIM 104200.
Autosomal recessive Alport syndrome (ATS2). Also called: Alport syndrome type 2; ALPORT SYNDROME 2, AUTOSOMAL RECESSIVE; COL4A3-Related Nephropathy; COL4A4 Alport Syndrome and Thin Basement Membrane Nephropathy. Identifiers: Orphanet 63, Orphanet 88919, MedGen C4746745, MONDO:0008762, OMIM 203780.
Benign familial hematuria. Also called: thin basement membrane disease. Identifiers: MedGen C0241908, MONDO:0957317.

gnomAD v4.1: 1 of 1,613,768 alleles (0.000062%); no homozygotes.

Submissions (2):

Fulgent Genetics
Classification: Likely pathogenic for Autosomal dominant Alport syndrome; Hematuria, benign familial, 1; Autosomal recessive Alport syndrome. Last evaluated: 2022-04-08. Review status: criteria provided, single submitter. Criteria: ACMG Guidelines, 2015. Collection method: clinical testing. Allele origin: unknown.

Labcorp Genetics (formerly Invitae), Labcorp
Classification: Pathogenic. Last evaluated: 2022-03-27. Review status: criteria provided, single submitter. Criteria: Invitae Variant Classification Sherloc (09022015). Collection method: clinical testing. Allele origin: germline.
Comment: For these reasons, this variant has been classified as Pathogenic. Algorithms developed to predict the effect of sequence changes on RNA splicing suggest that this variant may disrupt the consensus splice site. Advanced modeling of protein sequence and biophysical properties (such as structural, functional, and spatial information, amino acid conservation, physicochemical variation, residue mobility, and thermodynamic stability) performed at Invitae indicates that this missense variant is expected to disrupt COL4A3 protein function. ClinVar contains an entry for this variant (Variation ID: 939366). This missense change has been observed in individuals with a clinical diagnosis or clinical features of Alport syndrome (PMID: 15086897, 21897443). It has also been observed to segregate with disease in related individuals. This variant is not present in population databases (gnomAD no frequency). This sequence change replaces glycine, which is neutral and non-polar, with valine, which is neutral and non-polar, at codon 1045 of the COL4A3 protein (p.Gly1045Val).

Literature cited by the submitters: PubMed 15086897 (cited by Labcorp Genetics (formerly Invitae), Labcorp); PubMed 21897443 (cited by Labcorp Genetics (formerly Invitae), Labcorp).